The following is an entry in ClinVar:

NM_000059.4(BRCA2):c.6409A>G (p.Asn2137Asp)

Gene: BRCA2 (BRCA2 DNA repair associated; plus strand). Cytogenetic location: 13q13.1.
Variant type: single nucleotide variant.
Coding change: c.6409A>G on transcript NM_000059.4 (MANE Select); coding-DNA position 6409, A replaced by G.
Protein change: p.Asn2137Asp; replaces asparagine 2137 with aspartic acid.
Molecular consequence: missense variant.
Genome position (GRCh38, 1-based): chr13:32,340,764, A>G. VCF-style: chr13-32340764-A-G. GRCh37 (hg19) VCF-style: chr13-32914901-A-G.
Other names: short protein forms N2137D.
Identifiers: ClinVar variation 531371 (VCV000531371.11), dbSNP rs1555284672, ClinGen allele CA387789256.

ClinVar aggregate classification (germline): Conflicting classifications of pathogenicity. Review status: criteria provided, conflicting classifications (1 of 4 stars). 3 submissions from 3 submitters: Uncertain significance (2); Likely benign (1). Last evaluated 2023-11-13.

Conditions:
Hereditary breast ovarian cancer syndrome. Also called: Hereditary breast and ovarian cancer syndrome (HBOC); BRCA1- and BRCA2-Associated Hereditary Breast and Ovarian Cancer; Hereditary breast and ovarian cancer syndrome; Breast and ovarian cancer; Hereditary breast and ovarian cancer; Hereditary breast and/or ovarian cancer syndrome. Identifiers: Orphanet 145, MedGen C0677776, MeSH D061325, MONDO:0003582. Disease mechanism: loss of function.
Hereditary cancer-predisposing syndrome. Also called: Hereditary neoplastic syndrome; Neoplastic Syndromes, Hereditary; Tumor predisposition; Hereditary Cancer Syndrome. Identifiers: Orphanet 140162, MedGen C0027672, MeSH D009386, MONDO:0015356.

Submissions (3):

GeneDx
Classification: Uncertain significance. Last evaluated: 2023-11-13. Review status: criteria provided, single submitter. Criteria: GeneDx Variant Classification Process June 2021. Collection method: clinical testing. Allele origin: germline. Affected: yes.
Comment: Not observed at significant frequency in large population cohorts (gnomAD); In silico analysis supports that this missense variant does not alter protein structure/function; Has not been previously published as pathogenic or benign to our knowledge; Also known as 6637A>G; This variant is associated with the following publications: (PMID: 36243179, 31911673)

University of Washington Department of Laboratory Medicine, University of Washington
Classification: Likely benign for Hereditary cancer-predisposing syndrome. Last evaluated: 2023-03-23. Review status: criteria provided, single submitter. Criteria: Dines et al. (Genet Med. 2020). Collection method: curation. Allele origin: germline.
Comment: Missense variant in a coldspot region where missense variants are very unlikely to be pathogenic (PMID:31911673).

BRCA2 exon 11 coldspot. Reclassification based on statistical prior probability.

Labcorp Genetics (formerly Invitae), Labcorp
Classification: Uncertain significance for Hereditary breast ovarian cancer syndrome. Last evaluated: 2017-10-19. Review status: criteria provided, single submitter. Criteria: Invitae Variant Classification Sherloc (09022015). Collection method: clinical testing. Allele origin: germline.
Comment: This sequence change replaces asparagine with aspartic acid at codon 2137 of the BRCA2 protein (p.Asn2137Asp). The asparagine residue is weakly conserved and there is a small physicochemical difference between asparagine and aspartic acid. This variant is not present in population databases (ExAC no frequency). This variant has not been reported in the literature in individuals with BRCA2-related disease. Algorithms developed to predict the effect of missense changes on protein structure and function (SIFT, PolyPhen-2, Align-GVGD) all suggest that this variant is likely to be tolerated, but these predictions have not been confirmed by published functional studies and their clinical significance is uncertain. Algorithms developed to predict the effect of sequence changes on RNA splicing suggest that this variant may create or strengthen a splice site, but this prediction has not been confirmed by published transcriptional studies. In summary, the available evidence is currently insufficient to determine the role of this variant in disease. Therefore, it has been classified as a Variant of Uncertain Significance.